The following is an entry in ClinVar:

ClinVar aggregate classification (germline): Conflicting classifications of pathogenicity. Review status: criteria provided, conflicting classifications (1 of 4 stars). 8 submissions from 8 submitters: Uncertain significance (3); Likely benign (4). 1 of the submissions does not count toward it. Last evaluated 2026-08-01.

Conditions:
Hemochromatosis type 1 (HFE1). Also called: HFE-Associated Hereditary Hemochromatosis; HFE-Related Hemochromatosis. Identifiers: Orphanet 465508, MedGen C3469186, MONDO:0021001, OMIM 235200. Disease mechanism: loss of function.
HFE-related disorder. Also called: HFE-related condition.
Hereditary hemochromatosis (HFE). Identifiers: MedGen C0392514, MONDO:0006507. Disease mechanism: loss of function.

Allele frequency attached by ClinVar (database versions not stated): ESP Exome Variant Server 0.00023; gnomAD exomes 0.00040 and 0.00084; gnomAD 0.00056 and 0.00060; TOPMed 0.00071; ExAC 0.00075; 1000 Genomes Project 30x 0.00141; 1000 Genomes Project 0.00160.
gnomAD v4.1: 673 of 1,614,014 alleles (0.042%); highest among the groups gnomAD compares: East Asian, 0.22%; 2 homozygotes.

Submissions (8):

CeGaT Center for Human Genetics Tuebingen
Classification: Likely benign. Last evaluated: 2026-08-01. Review status: criteria provided, single submitter. Criteria: CeGaT Center For Human Genetics Tuebingen Variant Classification Criteria Version 2. Collection method: clinical testing. Allele origin: germline. Affected: yes. Observed: 4 variant alleles.
Comment: HFE: BP4

Labcorp Genetics (formerly Invitae), Labcorp
Classification: Likely benign for Hereditary hemochromatosis. Last evaluated: 2026-01-25. Review status: criteria provided, single submitter. Criteria: Invitae Variant Classification Sherloc (09022015). Collection method: clinical testing. Allele origin: germline.

Blueprint Genetics
Classification: Likely benign. Last evaluated: 2024-11-15. Review status: criteria provided, single submitter. Criteria: ACMG Guidelines, 2015. Collection method: clinical testing. Allele origin: germline.

Neuberg Centre For Genomic Medicine, NCGM
Classification: Uncertain significance for Hemochromatosis type 1. Last evaluated: 2023-05-20. Review status: criteria provided, single submitter. Criteria: ACMG Guidelines, 2015. Collection method: clinical testing. Allele origin: germline. Inheritance: Autosomal recessive inheritance. Affected: yes.
Comment: The missense variant c.884T>C(p.Val295Ala) in HFE gene has been reported in heterozygous state in individuals with Hemochromatosis (Barton JC et. al., 2015; Malekzadeh MM et. al., 2014; Jones DC et. al., 2002). Functional studies reporting the observed variant along with another variant (c.829G>A) of HFE gene reveals that both mutations may play a role in the development of Hereditary haemochromatosis (Silva B et. al., 2012). The observed variant has allele frequency of 0.08% in gnomAD exomes database. This variant has been reported to the ClinVar database as Likely benign / Uncertain Significance. Multiple lines of computational evidence (Polyphen - Benign, SIFT - Tolerated and MutationTaster - Polymorphism) predict no damaging effect on protein structure and function for this variant. The amino acid Val at position 295 is changed to a Ala changing protein sequence and it might alter its composition and physico-chemical properties. However, additional functional studies will be required to confirm the pathogencity of the variant. For these reasons, this variant has been classified as Variant of Uncertain Significance (VUS). In the absence of another reportable variant in HFE gene, the molecular diagnosis is not confirmed.

GeneDx
Classification: Likely benign. Last evaluated: 2020-10-09. Review status: criteria provided, single submitter. Criteria: GeneDx Variant Classification Process June 2021. Collection method: clinical testing. Allele origin: germline. Affected: yes.
Comment: This variant is associated with the following publications: (PMID: 19787796, 22624560, 24872867, 15046077, 12542741, 26456104)

Eurofins Ntd Llc (ga)
Classification: Uncertain significance. Last evaluated: 2017-10-10. Review status: criteria provided, single submitter. Criteria: EGL Classification Definitions 2015. Collection method: clinical testing. Allele origin: germline. Observed: 1 variant allele, 1 heterozygote.

Illumina Laboratory Services, Illumina
Classification: Uncertain significance for Hemochromatosis type 1. Last evaluated: 2017-04-27. Review status: criteria provided, single submitter. Criteria: ICSL Variant Classification Criteria 13 December 2019. Collection method: clinical testing. Allele origin: germline.
Comment: This variant was observed as part of a predisposition screen in an ostensibly healthy population. A literature search was performed for the gene, cDNA change, and amino acid change (where applicable). Publications were found based on this search. However, the evidence from the literature, in combination with allele frequency data from public databases where available, was not sufficient to rule this variant in or out of causing disease. Therefore, this variant is classified as a variant of unknown significance.

PreventionGenetics, part of Exact Sciences
Classification: Likely benign for HFE-related condition. Last evaluated: 2024-08-28. Review status: no assertion criteria provided. Collection method: clinical testing. Allele origin: germline. Not counted in ClinVar's aggregate classification.
Comment: This variant is classified as likely benign based on ACMG/AMP sequence variant interpretation guidelines (Richards et al. 2015 PMID: 25741868, with internal and published modifications).

Literature cited by the submitters: PubMed 15046077 (cited by Illumina Laboratory Services, Illumina); PubMed 17079357 (cited by Illumina Laboratory Services, Illumina); PubMed 19787796 (cited by Illumina Laboratory Services, Illumina); PubMed 26456104 (cited by Illumina Laboratory Services, Illumina); PubMed 12542741 (cited by Illumina Laboratory Services, Illumina); PubMed 22624560 (cited by Illumina Laboratory Services, Illumina); PubMed 24872867 (cited by Illumina Laboratory Services, Illumina).

NM_000410.4(HFE):c.884T>C (p.Val295Ala)

Gene: HFE (homeostatic iron regulator; plus strand). Cytogenetic location: 6p22.2.
Variant type: single nucleotide variant.
Coding change: c.884T>C on transcript NM_000410.4 (MANE Select); coding-DNA position 884, T replaced by C.
Protein change: p.Val295Ala; replaces valine 295 with alanine.
Molecular consequence: missense variant. On other transcripts: intron variant (1).
Genome position (GRCh38, 1-based): chr6:26,092,952, T>C. VCF-style: chr6-26092952-T-C. GRCh37 (hg19) VCF-style: chr6-26093180-T-C.
Other names: c.884T>C, p.Val295Ala (NM_001300749.3, NM_001384164.1); c.875T>C, p.Val292Ala (NM_001406751.1); c.620T>C, p.Val207Ala (NM_001406752.1, NM_139007.3); c.566T>C, p.Val189Ala (NM_139003.3); c.608T>C, p.Val203Ala (NM_139004.3); c.842T>C, p.Val281Ala (NM_139006.3); c.578T>C, p.Val193Ala (NM_139008.3); c.815T>C, p.Val272Ala (NM_139009.3); and 2 more; short protein forms V295A, V189A, V193A, V203A, V207A, V272A, V281A, V115A.
Identifiers: ClinVar variation 461195 (VCV000461195.65), dbSNP rs143175221, ClinGen allele CA3666752.